The following is an entry in ClinVar:

ClinVar aggregate classification (germline): Conflicting classifications of pathogenicity. Review status: criteria provided, conflicting classifications (1 of 4 stars). 2 submissions from 2 submitters: Uncertain significance (1); Likely benign (1). Last evaluated 2026-08-01.

Allele frequency attached by ClinVar (database versions not stated): gnomAD exomes 0.00001; gnomAD 0.00005; ESP Exome Variant Server 0.00008; ExAC 0.00010; TOPMed 0.00015.
gnomAD v4.1: 55 of 1,613,682 alleles (0.0034%); highest among the groups gnomAD compares: East Asian, 0.033%; no homozygotes.

Submissions (2):

CeGaT Center for Human Genetics Tuebingen
Classification: Likely benign. Last evaluated: 2026-08-01. Review status: criteria provided, single submitter. Criteria: CeGaT Center For Human Genetics Tuebingen Variant Classification Criteria Version 2. Collection method: clinical testing. Allele origin: germline. Affected: yes. Observed: 1 variant allele.
Comment: TOGARAM1: BP4

Ambry Genetics
Classification: Uncertain significance. Last evaluated: 2025-12-11. Review status: criteria provided, single submitter. Criteria: Ambry Variant Classification Scheme 2023. Collection method: clinical testing. Allele origin: germline.

NM_001308120.2(TOGARAM1):c.4501A>G (p.Ser1501Gly)

Gene: TOGARAM1 (TOG array regulator of axonemal microtubules 1; plus strand). Cytogenetic location: 14q21.2.
Variant type: single nucleotide variant.
Coding change: c.4501A>G on transcript NM_001308120.2 (MANE Select); coding-DNA position 4501, A replaced by G.
Protein change: p.Ser1501Gly; replaces serine 1501 with glycine.
Molecular consequence: missense variant. On other transcripts: non-coding transcript variant (1).
Genome position (GRCh38, 1-based): chr14:45,054,491, A>G. VCF-style: chr14-45054491-A-G. GRCh37 (hg19) VCF-style: chr14-45523694-A-G.
Other names: c.4342A>G, p.Ser1448Gly (NM_015091.4); short protein forms S1448G, S1501G.
Identifiers: ClinVar variation 2457766 (VCV002457766.4), dbSNP rs200225422, ClinGen allele CA7167763.